The following is an entry in ClinVar:

ClinVar aggregate classification (germline): Likely benign. Review status: criteria provided, multiple submitters, no conflicts (2 of 4 stars). 2 submissions from 2 submitters: Likely benign (2). Last evaluated 2026-05-22.

Conditions:
Rubinstein-Taybi syndrome (RSTS). Identifiers: Orphanet 783, MedGen C0035934, MONDO:0019188.
CREBBP-related disorder. Also called: CREBBP-related condition; CREBBP-related disorders.

Allele frequency attached by ClinVar (database versions not stated): TOPMed below 0.00001.

Submissions (2):

PreventionGenetics, part of Exact Sciences
Classification: Likely benign for CREBBP-related condition. Last evaluated: 2026-05-22. Review status: criteria provided, single submitter. Criteria: ACMG Guidelines, 2015. Collection method: clinical testing. Allele origin: germline.
Comment: This variant is classified as likely benign based on ACMG/AMP sequence variant interpretation guidelines (Richards et al. 2015 PMID: 25741868, with internal and published modifications).

Labcorp Genetics (formerly Invitae), Labcorp
Classification: Likely benign for Rubinstein-Taybi syndrome. Last evaluated: 2025-06-12. Review status: criteria provided, single submitter. Criteria: Invitae Variant Classification Sherloc (09022015). Collection method: clinical testing. Allele origin: germline.

NM_004380.3(CREBBP):c.2388G>A (p.Gln796=)

Gene: CREBBP (CREB binding lysine acetyltransferase; minus strand). Cytogenetic location: 16p13.3.
Variant type: single nucleotide variant.
Coding change: c.2388G>A on transcript NM_004380.3 (MANE Select); coding-DNA position 2388, G replaced by A.
Protein change: p.Gln796=; no amino-acid change (glutamine 796 retained).
Molecular consequence: synonymous variant.
Genome position (GRCh38, 1-based): chr16:3,773,826, C>T on the plus strand (G>A on the coding strand, the complement: CREBBP is on the minus strand). VCF-style: chr16-3773826-C-T. GRCh37 (hg19) VCF-style: chr16-3823827-C-T.
Other names: c.2388G>A (NM_004380.2); c.2274G>A, p.Gln758= (NM_001079846.1).
Identifiers: ClinVar variation 2917969 (VCV002917969.4), dbSNP rs1280581146, ClinGen allele CA493274444.